The following is an entry in ClinVar:

NM_024675.4(PALB2):c.640dup (p.Thr214fs)

Gene: PALB2 (partner and localizer of BRCA2; minus strand). Cytogenetic location: 16p12.2.
Variant type: Duplication.
Coding change: c.640dup on transcript NM_024675.4 (MANE Select); coding-DNA position 640, one base duplicated (A; older notation c.640dupA).
Protein change: p.Thr214fs; shifts the reading frame from threonine 214.
Molecular consequence: frameshift variant. On other transcripts: 5 prime UTR variant (8), intron variant (3).
Genome position (GRCh38, 1-based): chr16:23,635,906, T duplicated on the plus strand (A on the coding strand, the reverse complement: PALB2 is on the minus strand). VCF-style (leftmost placement, unchanged base first): chr16-23635905-G-GT. GRCh37 (hg19) VCF-style: chr16-23647226-G-GT.
Other names: c.580dup, p.Thr194fs (NM_001407296.1); c.640dup, p.Thr214fs (NM_001407297.1, NM_001407298.1, NM_001407299.1 and 3 more transcripts); c.-246dup (NM_001407304.1, NM_001407305.1, NM_001407306.1 and 5 more transcripts); c.48+5204dup (NM_001407314.1); c.-105+5204dup (NM_001407313.1, NM_001407312.1); short protein forms T194fs, T214fs.
Identifiers: ClinVar variation 2828340 (VCV002828340.3), dbSNP rs2506504746, ClinGen allele CA2739266673.
Genomic context (GRCh38, chr16:23,635,905, plus strand): 5'-TCAACACCTTTTTCTGGTTGGGCAGTTGGTGGAATTAATACACTGTCTTCATTAATTTCT[G>GT]TAACTGGTTCTGGAGAATCTGGAAGTTCAGATTTAAGACTTAAAAGGTGAGTTCTTATTT-3'

ClinVar aggregate classification (germline): Pathogenic (1 of 4 stars; one submission).

Conditions:
Familial cancer of breast. Also called: hereditary breast carcinoma; BREAST CANCER, FAMILIAL; Hereditary breast cancer. Identifiers: Orphanet 227535, MedGen C0346153, MONDO:0016419, OMIM 114480. Disease mechanism: loss of function.

Submission:

Labcorp Genetics (formerly Invitae), Labcorp
Classification: Pathogenic for Familial cancer of breast. Last evaluated: 2025-08-09. Review status: criteria provided, single submitter. Criteria: Invitae Variant Classification Sherloc (09022015). Collection method: clinical testing. Allele origin: germline.
Comment: This sequence change creates a premature translational stop signal (p.Thr214Asnfs*4) in the PALB2 gene. It is expected to result in an absent or disrupted protein product. Loss-of-function variants in PALB2 are known to be pathogenic (PMID: 17200668, 17200671, 17200672, 24136930, 25099575). This variant is not present in population databases (gnomAD no frequency). This variant has not been reported in the literature in individuals affected with PALB2-related conditions. ClinVar contains an entry for this variant (Variation ID: 2828340). For these reasons, this variant has been classified as Pathogenic.

Literature cited by the submitters: PubMed 17200668; PubMed 17200671; PubMed 17200672; PubMed 24136930; PubMed 25099575.